The following is an entry in ClinVar:

ClinVar aggregate classification (germline): Pathogenic. Review status: reviewed by expert panel (3 of 4 stars). 3 submissions from 3 submitters: Pathogenic (1). 2 of the submissions do not count toward it. Last evaluated 2017-12-15.

Conditions:
Breast-ovarian cancer, familial, susceptibility to, 2 (BROVCA2). Also called: BRCA2 Hereditary Breast and Ovarian Cancer. Identifiers: Orphanet 145, MedGen C2675520, MONDO:0012933, OMIM 612555. Disease mechanism: loss of function.
Hereditary cancer-predisposing syndrome. Also called: Neoplastic Syndromes, Hereditary; Tumor predisposition; Hereditary Cancer Syndrome; Hereditary neoplastic syndrome. Identifiers: Orphanet 140162, MedGen C0027672, MeSH D009386, MONDO:0015356.

Submissions (3):

Evidence-based Network for the Interpretation of Germline Mutant Alleles (ENIGMA)
Classification: Pathogenic for Breast-ovarian cancer, familial, susceptibility to, 2. Last evaluated: 2017-12-15. Review status: reviewed by expert panel. Criteria: ENIGMA BRCA1/2 Classification Criteria (2017-06-29). Collection method: curation. Allele origin: germline. Study: ENIGMA.
Comment: Variant allele predicted to encode a truncated non-functional protein.

Ambry Genetics
Classification: Pathogenic for Hereditary cancer-predisposing syndrome. Last evaluated: 2025-12-03. Review status: criteria provided, single submitter. Criteria: Ambry Variant Classification Scheme 2023. Collection method: clinical testing. Allele origin: germline. Not counted in ClinVar's aggregate classification.
Comment: The c.1444delC pathogenic mutation, located in coding exon 9 of the BRCA2 gene, results from a deletion of one nucleotide at nucleotide position 1444, causing a translational frameshift with a predicted alternate stop codon (p.A483Qfs*2). This variant is considered to be rare based on population cohorts in the Genome Aggregation Database (gnomAD). This alteration is expected to result in loss of function by premature protein truncation or nonsense-mediated mRNA decay. As such, this alteration is interpreted as a disease-causing mutation.

Quest Diagnostics Nichols Institute San Juan Capistrano
Classification: Pathogenic. Last evaluated: 2017-06-08. Review status: criteria provided, single submitter. Criteria: Quest Diagnostics criteria. Collection method: clinical testing. Allele origin: germline. Not counted in ClinVar's aggregate classification.

Literature cited by the submitters: PubMed 21607582 (cited by Quest Diagnostics Nichols Institute San Juan Capistrano).

NM_000059.4(BRCA2):c.1444del (p.Ala483fs)

Gene: BRCA2 (BRCA2 DNA repair associated; plus strand). Cytogenetic location: 13q13.1.
Variant type: Deletion.
Coding change: c.1444del on transcript NM_000059.4 (MANE Select); coding-DNA position 1444, one base deleted (C; older notation c.1444delC).
Protein change: p.Ala483fs; shifts the reading frame from alanine 483.
Molecular consequence: frameshift variant.
Genome position (GRCh38, 1-based): chr13:32,332,922, C deleted. VCF-style (leftmost placement, unchanged base first): chr13-32332921-TC-T. GRCh37 (hg19) VCF-style: chr13-32907058-TC-T.
Other names: c.1444delC (NM_000059.3).
Identifiers: ClinVar variation 51124 (VCV000051124.7), dbSNP rs397507588, ClinGen allele CA012060.